The following is an entry in ClinVar:

ClinVar aggregate classification (germline): Uncertain significance (1 of 4 stars; one submission).

Allele frequency attached by ClinVar (database versions not stated): gnomAD exomes 0.00001; ExAC 0.00003; gnomAD 0.00003; TOPMed 0.00006; ESP Exome Variant Server 0.00008.
gnomAD v4.1: 18 of 1,613,940 alleles (0.0011%); highest among the groups gnomAD compares: East Asian, 0.016%; no homozygotes.

Submission:

Labcorp Genetics (formerly Invitae), Labcorp
Classification: Uncertain significance. Last evaluated: 2025-10-08. Review status: criteria provided, single submitter. Criteria: Invitae Variant Classification Sherloc (09022015). Collection method: clinical testing. Allele origin: germline.
Comment: This sequence change replaces arginine, which is basic and polar, with cysteine, which is neutral and slightly polar, at codon 272 of the DMP1 protein (p.Arg272Cys). This variant is present in population databases (rs373457215, gnomAD 0.05%). This variant has not been reported in the literature in individuals affected with DMP1-related conditions. ClinVar contains an entry for this variant (Variation ID: 2140140). Invitae Evidence Modeling of protein sequence and biophysical properties (such as structural, functional, and spatial information, amino acid conservation, physicochemical variation, residue mobility, and thermodynamic stability) has been performed for this missense variant. However, the output from this modeling did not meet the statistical confidence thresholds required to predict the impact of this variant on DMP1 protein function. In summary, the available evidence is currently insufficient to determine the role of this variant in disease. Therefore, it has been classified as a Variant of Uncertain Significance.

NM_004407.4(DMP1):c.814C>T (p.Arg272Cys)

Genes: DMP1 (dentin matrix acidic phosphoprotein 1; plus strand), DMP1-AS1 (DMP1 and DSPP antisense RNA 1; minus strand). Cytogenetic location: 4q22.1.
Variant type: single nucleotide variant.
Coding change: c.814C>T on transcript NM_004407.4 (MANE Select); coding-DNA position 814, C replaced by T.
Protein change: p.Arg272Cys; replaces arginine 272 with cysteine.
Molecular consequence: missense variant.
Genome position (GRCh38, 1-based): chr4:87,662,592, C>T. VCF-style: chr4-87662592-C-T. GRCh37 (hg19) VCF-style: chr4-88583744-C-T.
Other names: c.766C>T, p.Arg256Cys (NM_001079911.3); short protein forms R256C, R272C.
Identifiers: ClinVar variation 2140140 (VCV002140140.3), dbSNP rs373457215, ClinGen allele CA3002093.
Genomic context (GRCh38, chr4:87,662,592, plus strand): 5'-CAAGATTCAGGTGGCAGCCAATTGCTGGAGCATCCCAGTAGGAAAATTTTTAGGAAGTCT[C>T]GCATCTCAGAGGAAGATGACAGAAGCGAGCTTGATGACAACAACACAATGGAAGAAGTCA-3'
Protein context (NP_004398.1, residues 262-282): HPSRKIFRKS[Arg272Cys]ISEEDDRSEL